The following is an entry in ClinVar:

NM_001083614.2(EARS2):c.488A>G (p.Tyr163Cys)

Gene: EARS2 (glutamyl-tRNA synthetase 2, mitochondrial; minus strand). Cytogenetic location: 16p12.2.
Variant type: single nucleotide variant.
Coding change: c.488A>G on transcript NM_001083614.2 (MANE Select); coding-DNA position 488, A replaced by G.
Protein change: p.Tyr163Cys; replaces tyrosine 163 with cysteine.
Molecular consequence: missense variant. On other transcripts: non-coding transcript variant (1).
Genome position (GRCh38, 1-based): chr16:23,535,358, T>C on the plus strand (A>G on the coding strand, the complement: EARS2 is on the minus strand). VCF-style: chr16-23535358-T-C. GRCh37 (hg19) VCF-style: chr16-23546679-T-C.
Other names: c.488A>G, p.Tyr163Cys (NM_001308211.1); short protein forms Y163C.
Identifiers: ClinVar variation 521147 (VCV000521147.8), dbSNP rs1453599217, ClinGen allele CA395135748.
Genomic context (GRCh38, chr16:23,535,358, plus strand): 5'-GGGTCCTTGGCCAGCTTCTGGGCCACCTGCTCCTGGCTCATGTTCCTGCACCGATTGTCA[T>C]ACCTGATGGGGAGCAGAGCAGCATGAGTACTGTTGATGGAAAGGTTGATGGACAGGAGTC-3'
Protein context (NP_001077083.1, residues 153-173): EALRNHQTPR[Tyr163Cys]DNRCRNMSQE

ClinVar aggregate classification (germline): Uncertain significance. Review status: criteria provided, multiple submitters, no conflicts (2 of 4 stars). 3 submissions from 3 submitters: Uncertain significance (3). Last evaluated 2022-07-19.

Conditions:
Inborn genetic diseases. Identifiers: MedGen C0950123, MeSH D030342.

Allele frequency attached by ClinVar (database versions not stated): gnomAD exomes below 0.00001 and 0.00001; gnomAD 0.00001; TOPMed 0.00002.

Submissions (3):

Labcorp Genetics (formerly Invitae), Labcorp
Classification: Uncertain significance. Last evaluated: 2022-07-19. Review status: criteria provided, single submitter. Criteria: Invitae Variant Classification Sherloc (09022015). Collection method: clinical testing. Allele origin: germline.
Comment: This variant has not been reported in the literature in individuals affected with EARS2-related conditions. In summary, the available evidence is currently insufficient to determine the role of this variant in disease. Therefore, it has been classified as a Variant of Uncertain Significance. Algorithms developed to predict the effect of missense changes on protein structure and function are either unavailable or do not agree on the potential impact of this missense change (SIFT: "Deleterious"; PolyPhen-2: "Probably Damaging"; Align-GVGD: "Class C0"). ClinVar contains an entry for this variant (Variation ID: 521147). This variant is present in population databases (no rsID available, gnomAD 0.0009%). This sequence change replaces tyrosine, which is neutral and polar, with cysteine, which is neutral and slightly polar, at codon 163 of the EARS2 protein (p.Tyr163Cys).

Blueprint Genetics
Classification: Uncertain significance. Last evaluated: 2021-06-17. Review status: criteria provided, single submitter. Criteria: ACMG Guidelines, 2015. Collection method: clinical testing. Allele origin: germline.

Ambry Genetics
Classification: Uncertain significance for Inborn genetic diseases. Last evaluated: 2016-07-26. Review status: criteria provided, single submitter. Criteria: Ambry exome assertion method (8-5-2015). Collection method: clinical testing. Allele origin: germline. Affected: yes. Observed: 1 variant allele.